The following is an entry in ClinVar:

NM_000501.4(ELN):c.2132G>A (p.Gly711Asp)

Gene: ELN (elastin; plus strand). Cytogenetic location: 7q11.23.
Variant type: single nucleotide variant.
Coding change: c.2132G>A on transcript NM_000501.4 (MANE Select); coding-DNA position 2132, G replaced by A.
Protein change: p.Gly711Asp; replaces glycine 711 with aspartic acid.
Molecular consequence: missense variant.
Genome position (GRCh38, 1-based): chr7:74,068,657, G>A. VCF-style: chr7-74068657-G-A. GRCh37 (hg19) VCF-style: chr7-73482987-G-A.
Other names: c.1991G>A, p.Gly664Asp (NM_001081752.3); c.2036G>A, p.Gly679Asp (NM_001081753.3); c.2093G>A, p.Gly698Asp (NM_001081754.3); c.2075G>A, p.Gly692Asp (NM_001081755.3); c.2078G>A, p.Gly693Asp (NM_001278912.2); c.1889G>A, p.Gly630Asp (NM_001278913.2); c.2060G>A, p.Gly687Asp (NM_001278914.2); c.2150G>A, p.Gly717Asp (NM_001278915.2); and 4 more; short protein forms G711D, G773D, G604D, G679D, G717D, G693D, G701D, G645D.
Identifiers: ClinVar variation 43585 (VCV000043585.51), dbSNP rs41511151, ClinGen allele CA132763.

ClinVar aggregate classification (germline): Benign/Likely benign. Review status: criteria provided, multiple submitters, no conflicts (2 of 4 stars). 12 submissions from 12 submitters: Benign (1); Likely benign (7). 4 of the submissions do not count toward it. Last evaluated 2026-09-01.

Conditions:
Supravalvar aortic stenosis (SVAS). Also called: Supravalvar aortic stenosis, Eisenberg type. Identifiers: Orphanet 3193, MedGen C0003499, MONDO:0008504, OMIM 185500, HP:0004381.

Allele frequency attached by ClinVar (database versions not stated): 1000 Genomes Project 0.00300; gnomAD exomes 0.00305 and 0.00439; gnomAD 0.00318 and 0.00313; 1000 Genomes Project 30x 0.00328; TOPMed 0.00352; ESP Exome Variant Server 0.00269; ExAC 0.00288.
gnomAD v4.1: 6,861 of 1,614,152 alleles (0.43%); highest among the groups gnomAD compares: Admixed American, 0.53%; 17 homozygotes.

Submissions (12):

CeGaT Center for Human Genetics Tuebingen
Classification: Likely benign. Last evaluated: 2026-09-01. Review status: criteria provided, single submitter. Criteria: CeGaT Center For Human Genetics Tuebingen Variant Classification Criteria Version 2. Collection method: clinical testing. Allele origin: germline. Affected: yes. Observed: 27 variant alleles.
Comment: ELN: BS1

Labcorp Genetics (formerly Invitae), Labcorp
Classification: Likely benign for Supravalvar aortic stenosis. Last evaluated: 2026-01-28. Review status: criteria provided, single submitter. Criteria: Invitae Variant Classification Sherloc (09022015). Collection method: clinical testing. Allele origin: germline.

Molecular Diagnostic Laboratory for Inherited Cardiovascular Disease, Montreal Heart Institute
Classification: Likely benign. Last evaluated: 2025-04-09. Review status: criteria provided, single submitter. Criteria: ACMG Guidelines, 2015. Collection method: clinical testing. Allele origin: germline. Affected: no.

Blueprint Genetics
Classification: Likely benign. Last evaluated: 2024-11-21. Review status: criteria provided, single submitter. Criteria: ACMG Guidelines, 2015. Collection method: clinical testing. Allele origin: germline.

GeneDx
Classification: Likely benign. Last evaluated: 2021-03-09. Review status: criteria provided, single submitter. Criteria: GeneDx Variant Classification Process June 2021. Collection method: clinical testing. Allele origin: germline. Affected: yes.
Comment: This variant is associated with the following publications: (PMID: 16374472, 16081882, 19029017, 28146470)

Mendelics
Classification: Benign for Supravalvar aortic stenosis. Last evaluated: 2019-05-28. Review status: criteria provided, single submitter. Criteria: Mendelics Assertion Criteria 2017. Collection method: clinical testing. Allele origin: unknown.

Laboratory for Molecular Medicine, Mass General Brigham Personalized Medicine
Classification: Likely benign. Last evaluated: 2012-07-19. Review status: criteria provided, single submitter. Criteria: LMM Criteria. Collection method: clinical testing. Allele origin: germline. Observed: 1 variant allele.
Comment: Gly711Asp in exon 33 of ELN: This variant is not expected to have clinical signi ficance because it has been identified in 0.4% (34/8600) of European American ch romosomes from a broad population by the NHLBI Exome Sequencing Project and in 2.5% (5/196) of Tuscan (Italian) chromosomes f rom a broad population by the 1000 Genomes project (dbSNP rs41511151). Gly711A sp in exon 33 of ELN (rs41511151; allele frequency = 0.4%, 34/8600) **

Breakthrough Genomics
Classification: Likely benign. Review status: criteria provided, single submitter. Criteria: ACMG Guidelines, 2015. Collection method: not provided. Allele origin: germline. Inheritance: Autosomal dominant inheritance. Affected: yes.

Diagnostic Laboratory, Department of Genetics, University Medical Center Groningen
Classification: Likely benign. Review status: no assertion criteria provided. Collection method: clinical testing. Allele origin: germline. Affected: yes. Study: VKGL Data-share Consensus. Not counted in ClinVar's aggregate classification.

Genome Diagnostics Laboratory, Amsterdam University Medical Center
Classification: Likely benign. Review status: no assertion criteria provided. Collection method: clinical testing. Allele origin: germline. Affected: yes. Study: VKGL Data-share Consensus. Not counted in ClinVar's aggregate classification.

Genome Diagnostics Laboratory, University Medical Center Utrecht
Classification: Benign. Review status: no assertion criteria provided. Collection method: clinical testing. Allele origin: germline. Affected: yes. Study: VKGL Data-share Consensus. Not counted in ClinVar's aggregate classification.

Joint Genome Diagnostic Labs from Nijmegen and Maastricht, Radboudumc and MUMC+
Classification: Benign. Review status: no assertion criteria provided. Collection method: clinical testing. Allele origin: germline. Affected: yes. Study: VKGL Data-share Consensus. Not counted in ClinVar's aggregate classification.